The following is an entry in ClinVar:

ClinVar aggregate classification (germline): Likely benign (1 of 4 stars; one submission).

gnomAD v4.1: 144 of 1,613,802 alleles (0.0089%); highest among the groups gnomAD compares: African/African-American, 0.18%; no homozygotes.

Submission:

Mayo Clinic Laboratories, Mayo Clinic
Classification: Likely benign. Last evaluated: 2025-08-20. Review status: criteria provided, single submitter. Criteria: ACMG Guidelines, 2015. Collection method: clinical testing. Allele origin: germline. Observed: 1 variant allele.
Comment: BP4, BP7

NM_001256071.3(RNF213):c.11709A>G (p.Gln3903=)

Genes: RNF213 (ring finger protein 213; plus strand), RNF213-AS1 (RNF213 antisense RNA 1; minus strand). Cytogenetic location: 17q25.3.
Variant type: single nucleotide variant.
Coding change: c.11709A>G on transcript NM_001256071.3 (MANE Select); coding-DNA position 11709, A replaced by G.
Protein change: p.Gln3903=; no amino-acid change (glutamine 3903 retained).
Molecular consequence: synonymous variant.
Genome position (GRCh38, 1-based): chr17:80,363,749, A>G. VCF-style: chr17-80363749-A-G. GRCh37 (hg19) VCF-style: chr17-78337549-A-G.
Other names: p.Gln3903=; c.11856A>G, p.Gln3952= (NM_001410195.1, NM_020914.5).
Identifiers: ClinVar variation 4684271 (VCV004684271.1).